The following is an entry in ClinVar:

NM_001089.3(ABCA3):c.3166G>A (p.Val1056Ile)

Gene: ABCA3 (ATP binding cassette subfamily A member 3; minus strand). Cytogenetic location: 16p13.3.
Variant type: single nucleotide variant.
Coding change: c.3166G>A on transcript NM_001089.3 (MANE Select); coding-DNA position 3166, G replaced by A.
Protein change: p.Val1056Ile; replaces valine 1056 with isoleucine.
Molecular consequence: missense variant.
Genome position (GRCh38, 1-based): chr16:2,286,806, C>T on the plus strand (G>A on the coding strand, the complement: ABCA3 is on the minus strand). VCF-style: chr16-2286806-C-T. GRCh37 (hg19) VCF-style: chr16-2336807-C-T.
Other names: short protein forms V1056I.
Identifiers: ClinVar variation 729195 (VCV000729195.14), dbSNP rs34671771, ClinGen allele CA7840587.

ClinVar aggregate classification (germline): Benign/Likely benign. Review status: criteria provided, multiple submitters, no conflicts (2 of 4 stars). 6 submissions from 6 submitters: Benign (3); Likely benign (2). 1 of the submissions does not count toward it. Last evaluated 2026-01-25.

Conditions:
Hereditary pulmonary alveolar proteinosis. Also called: Pulmonary surfactant metabolism dysfunction. Identifiers: Orphanet 264675, MedGen C3711368, MONDO:0012580.
ABCA3-related disorder. Also called: ABCA3-related condition.
Interstitial lung disease due to ABCA3 deficiency. Also called: PULMONARY ALVEOLAR PROTEINOSIS, CONGENITAL, 3. Identifiers: Orphanet 440402, MedGen C1970456, MONDO:0012582, OMIM 610921.

Allele frequency attached by ClinVar (database versions not stated): gnomAD exomes 0.00035; ExAC 0.00040; 1000 Genomes Project 30x 0.00094; 1000 Genomes Project 0.00100; TOPMed 0.00141; ESP Exome Variant Server 0.00177.
gnomAD v4.1: 454 of 1,614,152 alleles (0.028%); highest among the groups gnomAD compares: African/African-American, 0.44%; 1 homozygote.

Submissions (6):

Labcorp Genetics (formerly Invitae), Labcorp
Classification: Benign. Last evaluated: 2026-01-25. Review status: criteria provided, single submitter. Criteria: Invitae Variant Classification Sherloc (09022015). Collection method: clinical testing. Allele origin: germline.

Blueprint Genetics
Classification: Likely benign. Last evaluated: 2024-08-06. Review status: criteria provided, single submitter. Criteria: ACMG Guidelines, 2015. Collection method: clinical testing. Allele origin: germline.

ARUP Laboratories, Molecular Genetics and Genomics, ARUP Laboratories
Classification: Benign for Interstitial lung disease due to ABCA3 deficiency. Last evaluated: 2023-11-03. Review status: criteria provided, single submitter. Criteria: ARUP Molecular Germline Variant Investigation Process 2024. Collection method: clinical testing. Allele origin: germline.

Ambry Genetics
Classification: Likely benign for Hereditary pulmonary alveolar proteinosis. Last evaluated: 2017-12-27. Review status: criteria provided, single submitter. Criteria: Ambry Variant Classification Scheme 2023. Collection method: clinical testing. Allele origin: germline.

Breakthrough Genomics
Classification: Benign. Review status: criteria provided, single submitter. Criteria: ACMG Guidelines, 2015. Collection method: not provided. Allele origin: germline. Inheritance: Autosomal recessive inheritance. Affected: yes.

PreventionGenetics, part of Exact Sciences
Classification: Likely benign for ABCA3-related condition. Last evaluated: 2020-04-07. Review status: no assertion criteria provided. Collection method: clinical testing. Allele origin: germline. Not counted in ClinVar's aggregate classification.
Comment: This variant is classified as likely benign based on ACMG/AMP sequence variant interpretation guidelines (Richards et al. 2015 PMID: 25741868, with internal and published modifications).